The following is an entry in ClinVar:

ClinVar aggregate classification (germline): Pathogenic (1 of 4 stars; one submission).

Conditions:
CHARGE syndrome (CHARGE). Also called: Hittner Hirsch Kreh syndrome; Coloboma, heart anomaly, choanal atresia, retardation, genital and ear anomalies; CHARGE association; Hall-Hittner syndrome; CHARGE ASSOCIATION--COLOBOMA, HEART ANOMALY, CHOANAL ATRESIA, RETARDATION, GENITAL AND EAR ANOMALIES. Identifiers: Orphanet 138, MedGen C0265354, MONDO:0008965.

Submission:

Labcorp Genetics (formerly Invitae), Labcorp
Classification: Pathogenic for CHARGE syndrome. Last evaluated: 2019-11-11. Review status: criteria provided, single submitter. Criteria: Invitae Variant Classification Sherloc (09022015). Collection method: clinical testing. Allele origin: germline.
Comment: This sequence change creates a premature translational stop signal (p.Gly2561*) in the CHD7 gene. It is expected to result in an absent or disrupted protein product. This variant is not present in population databases (ExAC no frequency). This variant has not been reported in the literature in individuals with CHD7-related conditions. Loss-of-function variants in CHD7 are known to be pathogenic (PMID: 22461308, 25077900). For these reasons, this variant has been classified as Pathogenic.

Literature cited by the submitters: PubMed 22461308; PubMed 25077900.

NM_017780.4(CHD7):c.7681G>T (p.Gly2561Ter)

Gene: CHD7 (chromodomain helicase DNA binding protein 7; plus strand). Cytogenetic location: 8q12.2.
Variant type: single nucleotide variant.
Coding change: c.7681G>T on transcript NM_017780.4 (MANE Select); coding-DNA position 7681, G replaced by T.
Protein change: p.Gly2561Ter; replaces glycine 2561 with a stop codon.
Molecular consequence: nonsense. On other transcripts: intron variant (1).
Genome position (GRCh38, 1-based): chr8:60,860,976, G>T. VCF-style: chr8-60860976-G-T. GRCh37 (hg19) VCF-style: chr8-61773535-G-T.
Other names: c.1717-1253G>T (NM_001316690.1); short protein forms G2561*.
Identifiers: ClinVar variation 968757 (VCV000968757.3), dbSNP rs774255090, ClinGen allele CA371304424.